The following is an entry in ClinVar:

NM_000170.3(GLDC):c.847G>A (p.Ala283Thr)

Gene: GLDC (glycine decarboxylase; minus strand). Cytogenetic location: 9p24.1.
Variant type: single nucleotide variant.
Coding change: c.847G>A on transcript NM_000170.3 (MANE Select); coding-DNA position 847, G replaced by A.
Protein change: p.Ala283Thr; replaces alanine 283 with threonine.
Molecular consequence: missense variant.
Genome position (GRCh38, 1-based): chr9:6,605,145, C>T on the plus strand (G>A on the coding strand, the complement: GLDC is on the minus strand). VCF-style: chr9-6605145-C-T. GRCh37 (hg19) VCF-style: chr9-6605145-C-T.
Other names: short protein forms A283T.
Identifiers: ClinVar variation 1351315 (VCV001351315.6), dbSNP rs386833589, ClinGen allele CA372896280.

ClinVar aggregate classification (germline): Uncertain significance (1 of 4 stars; one submission).

Conditions:
Glycine encephalopathy. Also called: Non-ketotic hyperglycinemia; Nonketotic hyperglycinemia. Identifiers: Orphanet 407, MedGen C0751748, MONDO:0011612, HP:0008288.

Submission:

Labcorp Genetics (formerly Invitae), Labcorp
Classification: Uncertain significance for Glycine encephalopathy. Last evaluated: 2022-02-21. Review status: criteria provided, single submitter. Criteria: Invitae Variant Classification Sherloc (09022015). Collection method: clinical testing. Allele origin: germline.
Comment: In summary, the available evidence is currently insufficient to determine the role of this variant in disease. Therefore, it has been classified as a Variant of Uncertain Significance. This variant disrupts the p.Ala283 amino acid residue in GLDC. Other variant(s) that disrupt this residue have been determined to be pathogenic (PMID: 26179960, 27362913). This suggests that this residue is clinically significant, and that variants that disrupt this residue are likely to be disease-causing. Algorithms developed to predict the effect of missense changes on protein structure and function are either unavailable or do not agree on the potential impact of this missense change (SIFT: "Tolerated"; PolyPhen-2: "Probably Damaging"; Align-GVGD: "Class C0"). This variant has not been reported in the literature in individuals affected with GLDC-related conditions. This variant is not present in population databases (gnomAD no frequency). This sequence change replaces alanine, which is neutral and non-polar, with threonine, which is neutral and polar, at codon 283 of the GLDC protein (p.Ala283Thr).

Literature cited by the submitters: PubMed 26179960; PubMed 27362913.